The following is an entry in ClinVar:

NM_198334.3(GANAB):c.2467A>G (p.Met823Val)

Gene: GANAB (glucosidase II alpha subunit; minus strand). Cytogenetic location: 11q12.3.
Variant type: single nucleotide variant.
Coding change: c.2467A>G on transcript NM_198334.3 (MANE Select); coding-DNA position 2467, A replaced by G.
Protein change: p.Met823Val; replaces methionine 823 with valine.
Molecular consequence: missense variant.
Genome position (GRCh38, 1-based): chr11:62,626,615, T>C on the plus strand (A>G on the coding strand, the complement: GANAB is on the minus strand). VCF-style: chr11-62626615-T-C. GRCh37 (hg19) VCF-style: chr11-62394087-T-C.
Other names: c.2191A>G, p.Met731Val (NM_001278192.2); c.2125A>G, p.Met709Val (NM_001278193.2); c.2176A>G, p.Met726Val (NM_001278194.2, NM_001329222.2, NM_001329223.2); c.1744A>G, p.Met582Val (NM_001329224.2, NM_001329225.2); c.2533A>G, p.Met845Val (NM_198335.4); short protein forms M582V, M709V, M726V, M731V, M823V, M845V.
Identifiers: ClinVar variation 2988667 (VCV002988667.3), dbSNP rs1431014767, ClinGen allele CA380987362.

ClinVar aggregate classification (germline): Uncertain significance (1 of 4 stars; one submission).

Allele frequency attached by ClinVar (database versions not stated): TOPMed below 0.00001; gnomAD 0.00001.

Submission:

Labcorp Genetics (formerly Invitae), Labcorp
Classification: Uncertain significance. Last evaluated: 2023-08-27. Review status: criteria provided, single submitter. Criteria: Invitae Variant Classification Sherloc (09022015). Collection method: clinical testing. Allele origin: germline.
Comment: This sequence change replaces methionine, which is neutral and non-polar, with valine, which is neutral and non-polar, at codon 845 of the GANAB protein (p.Met845Val). This variant is not present in population databases (gnomAD no frequency). This variant has not been reported in the literature in individuals affected with GANAB-related conditions. An algorithm developed to predict the effect of missense changes on protein structure and function (PolyPhen-2) suggests that this variant is likely to be disruptive. In summary, the available evidence is currently insufficient to determine the role of this variant in disease. Therefore, it has been classified as a Variant of Uncertain Significance.